The following is an entry in ClinVar:

NM_004563.4(PCK2):c.529C>T (p.Gln177Ter)

Genes: NRL (neural retina leucine zipper; minus strand), PCK2 (phosphoenolpyruvate carboxykinase 2, mitochondrial; plus strand). Cytogenetic location: 14q11.2.
Variant type: single nucleotide variant.
Coding change: c.529C>T on transcript NM_004563.4 (MANE Select); coding-DNA position 529, C replaced by T.
Protein change: p.Gln177Ter; replaces glutamine 177 with a stop codon.
Molecular consequence: nonsense. On other transcripts: intron variant (3).
Genome position (GRCh38, 1-based): chr14:24,098,543, C>T. VCF-style: chr14-24098543-C-T. GRCh37 (hg19) VCF-style: chr14-24567752-C-T.
Other names: p.Gln177*; c.529C>T, p.Gln177Ter (NM_001018073.3); c.127C>T, p.Gln43Ter (NM_001291556.2, NM_001308054.2); c.-27-15668G>A (NM_001354768.3, NM_001354770.2); c.-253-13798G>A (NM_006177.5); short protein forms Q177*, Q43*.
Identifiers: ClinVar variation 3380181 (VCV003380181.1).
Genomic context (GRCh38, chr14:24,098,543, plus strand): 5'-ATGTATGTGCTTCCATTCAGCATGGGTCCTGTGGGCTCCCCGCTGTCCCGCATCGGGGTG[C>T]AGCTCACTGACTCAGCCTATGTGGTGGCAAGCATGCGTATTATGACCCGACTGGGGACAC-3'

ClinVar aggregate classification (germline): Uncertain significance (1 of 4 stars; one submission).

Submission:

Mayo Clinic Laboratories, Mayo Clinic
Classification: Uncertain significance. Last evaluated: 2023-09-13. Review status: criteria provided, single submitter. Criteria: ACMG Guidelines, 2015. Collection method: clinical testing. Allele origin: germline. Observed: 1 variant allele.
Comment: PM2_moderate, PVS1